The following is an entry in ClinVar:

ClinVar aggregate classification (germline): Pathogenic (1 of 4 stars; one submission).

Conditions:
Hereditary cancer-predisposing syndrome. Also called: Tumor predisposition; Hereditary Cancer Syndrome; Neoplastic Syndromes, Hereditary; Hereditary neoplastic syndrome. Identifiers: Orphanet 140162, MedGen C0027672, MeSH D009386, MONDO:0015356.

Submission:

Ambry Genetics
Classification: Pathogenic for Hereditary cancer-predisposing syndrome. Last evaluated: 2018-06-22. Review status: criteria provided, single submitter. Criteria: Ambry Variant Classification Scheme 2023. Collection method: clinical testing. Allele origin: germline.
Comment: The c.2907delT pathogenic mutation, located in coding exon 9 of the BRCA1 gene, results from a deletion of one nucleotide at nucleotide position 2907, causing a translational frameshift with a predicted alternate stop codon (p.N969Kfs*31). This alteration is expected to result in loss of function by premature protein truncation or nonsense-mediated mRNA decay. As such, this alteration is interpreted as a disease-causing mutation.

NM_007294.4(BRCA1):c.2907del (p.Asn969fs)

Gene: BRCA1 (BRCA1 DNA repair associated; minus strand). Cytogenetic location: 17q21.31.
Variant type: Deletion.
Coding change: c.2907del on transcript NM_007294.4 (MANE Select); coding-DNA position 2907, one base deleted (T; older notation c.2907delT).
Protein change: p.Asn969fs; shifts the reading frame from asparagine 969.
Molecular consequence: frameshift variant. On other transcripts: intron variant (137).
Genome position (GRCh38, 1-based): chr17:43,092,624, A deleted on the plus strand (T on the coding strand, the reverse complement: BRCA1 is on the minus strand). VCF-style (leftmost placement, unchanged base first): chr17-43092623-TA-T. GRCh37 (hg19) VCF-style: chr17-41244640-TA-T.
Other names: c.2643del, p.Asn881fs (NM_001407920.1, NM_001407921.1, NM_001407922.1 and 9 more transcripts); c.2907del, p.Asn969fs (NM_001407641.1, NM_001407642.1, NM_001407652.1 and 30 more transcripts); c.2904del, p.Asn968fs (NM_001407645.1, NM_001407644.1, NM_001407860.1 and 22 more transcripts); c.2898del, p.Asn966fs (NM_001407646.1, NM_001407647.1); c.2829del, p.Asn943fs (NM_001407655.1, NM_001407653.1, NM_001407654.1 and 4 more transcripts); c.2781del, p.Asn927fs (NM_001407649.1, NM_001407940.1, NM_001407941.1 and 11 more transcripts); c.2784del, p.Asn928fs (NM_001407648.1, NM_001407863.1, NM_001407919.1 and 19 more transcripts); c.2763del, p.Asn921fs (NM_001407839.1, NM_001407841.1, NM_001407842.1 and 20 more transcripts); and 41 more; short protein forms N922fs, N969fs, N858fs, N880fs, N901fs, N927fs, N928fs, N942fs.
Identifiers: ClinVar variation 821961 (VCV000821961.5), dbSNP rs1597866816, ClinGen allele CA915950033.